The following is an entry in ClinVar:

NM_001195553.2(DCX):c.705+48A>G

Gene: DCX (doublecortin; minus strand). Cytogenetic location: Xq23.
Variant type: single nucleotide variant.
Coding change: c.705+48A>G on transcript NM_001195553.2 (MANE Select); 48 bases into the intron after coding-DNA position 705, A replaced by G.
Molecular consequence: intron variant.
Genome position (GRCh38, 1-based): chrX:111,400,942, T>C on the plus strand (A>G on the coding strand, the complement: DCX is on the minus strand). VCF-style: chrX-111400942-T-C. GRCh37 (hg19) VCF-style: chrX-110644170-T-C.
Other names: c.705+48A>G (NM_001369373.1, NM_178153.3, NM_001369372.1 and 5 more transcripts); c.948+48A>G (NM_000555.3).
Identifiers: ClinVar variation 262926 (VCV000262926.10), dbSNP rs201805884, ClinGen allele CA10493304.

ClinVar aggregate classification (germline): Benign/Likely benign. Review status: criteria provided, multiple submitters, no conflicts (2 of 4 stars). 4 submissions from 4 submitters: Benign (1); Likely benign (3). Last evaluated 2018-09-29.

Allele frequency attached by ClinVar (database versions not stated): ESP Exome Variant Server 0.00806; gnomAD 0.00776 and 0.00836; 1000 Genomes Project 0.00901; gnomAD exomes 0.01089 and 0.01131; ExAC 0.01121; 1000 Genomes Project 30x 0.00895; TOPMed 0.00832.
gnomAD v4.1: 12,233 of 1,105,353 alleles (1.1%); highest among the groups gnomAD compares: South Asian, 3.3%; 94 homozygotes.

Submissions (4):

GeneDx
Classification: Likely benign. Last evaluated: 2018-09-29. Review status: criteria provided, single submitter. Criteria: GeneDx Variant Classification Process June 2021. Collection method: clinical testing. Allele origin: germline. Affected: yes.
Comment: This variant is associated with the following publications: (PMID: 28492530, 27884173, 12390976)

Eurofins Ntd Llc (ga)
Classification: Benign. Last evaluated: 2017-02-17. Review status: criteria provided, single submitter. Criteria: EGL Classification Definitions 2015. Collection method: clinical testing. Allele origin: germline. Observed: 1 variant allele, 1 heterozygote.

Breakthrough Genomics
Classification: Likely benign. Review status: criteria provided, single submitter. Criteria: ACMG Guidelines, 2015. Collection method: not provided. Allele origin: germline. Inheritance: X-linked inheritance. Affected: yes.

PreventionGenetics, part of Exact Sciences
Classification: Likely benign. Review status: criteria provided, single submitter. Criteria: ACMG Guidelines, 2015. Collection method: clinical testing. Allele origin: germline.